The following is an entry in ClinVar:

ClinVar aggregate classification (germline): Uncertain significance. Review status: criteria provided, multiple submitters, no conflicts (2 of 4 stars). 5 submissions from 5 submitters: Uncertain significance (5). Last evaluated 2024-07-17.

Conditions:
Catecholaminergic polymorphic ventricular tachycardia 1. Also called: RYR2-Related Catecholaminergic Polymorphic Ventricular Tachycardia; VENTRICULAR TACHYCARDIA, CATECHOLAMINERGIC POLYMORPHIC, 1, WITH OR WITHOUT ATRIAL DYSFUNCTION AND/OR DILATED CARDIOMYOPATHY; VENTRICULAR TACHYCARDIA, STRESS-INDUCED POLYMORPHIC 1. Identifiers: Orphanet 3286, MedGen C1631597, MONDO:0011484, OMIM 604772.
Catecholaminergic polymorphic ventricular tachycardia 5 (CARDAR). Also called: Ventricular tachycardia, catecholaminergic polymorphic, 5, with or without muscle weakness; CARDIAC ARRHYTHMIA SYNDROME, WITH OR WITHOUT SKELETAL MUSCLE WEAKNESS. Identifiers: Orphanet 3286, MedGen C3809536, MONDO:0014191, OMIM 615441.
Cardiovascular phenotype. Identifiers: MedGen CN230736.

Allele frequency attached by ClinVar (database versions not stated): gnomAD 0.00003 and 0.00004; TOPMed 0.00003; gnomAD exomes 0.00004 and 0.00005; ExAC 0.00005; ESP Exome Variant Server 0.00017.
gnomAD v4.1: 78 of 1,611,366 alleles (0.0048%); highest among the groups gnomAD compares: Non-Finnish European, 0.0064%; no homozygotes.

Submissions (5):

GeneDx
Classification: Uncertain significance. Last evaluated: 2024-07-17. Review status: criteria provided, single submitter. Criteria: GeneDx Variant Classification Process June 2021. Collection method: clinical testing. Allele origin: germline. Affected: yes.
Comment: Nonsense variant predicted to result in protein truncation as the last 3 amino acids are lost, although loss-of-function variants have not been reported downstream of this position in the protein; Has not been previously published as pathogenic or benign to our knowledge

Mayo Clinic Laboratories, Mayo Clinic
Classification: Uncertain significance. Last evaluated: 2023-03-13. Review status: criteria provided, single submitter. Criteria: ACMG Guidelines, 2015. Collection method: clinical testing. Allele origin: germline. Observed: 1 variant allele.
Comment: PVS1_moderate

Labcorp Genetics (formerly Invitae), Labcorp
Classification: Uncertain significance for Catecholaminergic polymorphic ventricular tachycardia 1. Last evaluated: 2022-07-14. Review status: criteria provided, single submitter. Criteria: Invitae Variant Classification Sherloc (09022015). Collection method: clinical testing. Allele origin: germline.
Comment: This sequence change creates a premature translational stop signal (p.Gln727*) in the TRDN gene. However, it is currently unclear if variants that occur in this region of the gene cause disease. This variant is present in population databases (rs201041981, gnomAD 0.008%). This variant has not been reported in the literature in individuals affected with TRDN-related conditions. ClinVar contains an entry for this variant (Variation ID: 566685). Experimental studies and prediction algorithms are not available or were not evaluated, and the functional significance of this variant is currently unknown. In summary, the available evidence is currently insufficient to determine the role of this variant in disease. Therefore, it has been classified as a Variant of Uncertain Significance.

Ambry Genetics
Classification: Uncertain significance for Cardiovascular phenotype. Last evaluated: 2021-10-05. Review status: criteria provided, single submitter. Criteria: Ambry Variant Classification Scheme 2023. Collection method: clinical testing. Allele origin: germline.
Comment: The p.Q727* variant (also known as c.2179C>T), located in coding exon 41 of the TRDN gene, results from a C to T substitution at nucleotide position 2179. This changes the amino acid from a glutamine to a stop codon within coding exon 41. This alteration occurs at the 3' terminus of theTRDN gene, is not expected to trigger nonsense-mediated mRNAdecay, and only impacts the last three amino acids of the protein. The exact functional effect of this alteration is unknown. Furthermore, this alteration does not impact the predominant cardiac isoform of TRDN (NM_001256021.1; Kobayashi YM et al. J. Biol. Chem., 1999 Oct;274:28660-8). Since supporting evidence is limited at this time, the clinical significance of this alteration remains unclear.

Fulgent Genetics
Classification: Uncertain significance for Catecholaminergic polymorphic ventricular tachycardia 1; Catecholaminergic polymorphic ventricular tachycardia 5. Last evaluated: 2021-09-22. Review status: criteria provided, single submitter. Criteria: ACMG Guidelines, 2015. Collection method: clinical testing. Allele origin: unknown.

Literature cited by the submitters: PubMed 33432171 (cited by Ambry Genetics).

NM_006073.4(TRDN):c.2179C>T (p.Gln727Ter)

Gene: TRDN (triadin; minus strand). Cytogenetic location: 6q22.31.
Variant type: single nucleotide variant.
Coding change: c.2179C>T on transcript NM_006073.4 (MANE Select); coding-DNA position 2179, C replaced by T.
Protein change: p.Gln727Ter; replaces glutamine 727 with a stop codon.
Molecular consequence: nonsense.
Genome position (GRCh38, 1-based): chr6:123,218,612, G>A on the plus strand (C>T on the coding strand, the complement: TRDN is on the minus strand). VCF-style: chr6-123218612-G-A. GRCh37 (hg19) VCF-style: chr6-123539757-G-A.
Other names: p.Gln727*; short protein forms Q727*.
Identifiers: ClinVar variation 566685 (VCV000566685.13), dbSNP rs201041981, ClinGen allele CA3983580.
Genomic context (GRCh38, chr6:123,218,612, plus strand): 5'-ATCACATTTTTAAAATCTTAAAGCACTTGTAAGGGTCATACATGTGTGTTTACTGTCCTT[G>A]TTGCTTCTGTCCTGGAGAATTTGCTTGACCAGAGCTCTCTCCAGGGCGGTCTGCAGGAGT-3'